The following is an entry in ClinVar:

ClinVar aggregate classification (germline): Uncertain significance (1 of 4 stars; one submission).

Conditions:
Familial cancer of breast. Also called: Hereditary breast cancer; BREAST CANCER, FAMILIAL; hereditary breast carcinoma. Identifiers: Orphanet 227535, MedGen C0346153, MONDO:0016419, OMIM 114480. Disease mechanism: loss of function.

Submission:

Labcorp Genetics (formerly Invitae), Labcorp
Classification: Uncertain significance for Familial cancer of breast. Last evaluated: 2025-05-19. Review status: criteria provided, single submitter. Criteria: Invitae Variant Classification Sherloc (09022015). Collection method: clinical testing. Allele origin: germline.
Comment: This variant, c.1059_1064del, results in the deletion of 2 amino acid(s) of the CHEK2 protein (p.Leu354_Leu355del), but otherwise preserves the integrity of the reading frame. This variant is not present in population databases (gnomAD no frequency). This variant has not been reported in the literature in individuals affected with CHEK2-related conditions. ClinVar contains an entry for this variant (Variation ID: 2821421). Experimental studies and prediction algorithms are not available or were not evaluated, and the functional significance of this variant is currently unknown. In summary, the available evidence is currently insufficient to determine the role of this variant in disease. Therefore, it has been classified as a Variant of Uncertain Significance.

NM_007194.4(CHEK2):c.1059_1064del (p.Leu354_Leu355del)

Gene: CHEK2 (checkpoint kinase 2; minus strand). Cytogenetic location: 22q12.1.
Variant type: Deletion.
Coding change: c.1059_1064del on transcript NM_007194.4 (MANE Select); coding-DNA positions 1059 to 1064, 6 bases deleted (TTTACT; older notation c.1059_1064delTTTACT).
Protein change: p.Leu354_Leu355del.
Molecular consequence: inframe deletion. On other transcripts: intron variant (3).
Genome position (GRCh38, 1-based): chr22:28,696,932-28,696,937, AGTAAA deleted on the plus strand (TTTACT on the coding strand, the reverse complement: CHEK2 is on the minus strand); deleting any 6 consecutive bases within chr22:28,696,932-28,696,938 gives the same sequence; the c. name uses the placement nearest the transcript's 3' end. VCF-style (leftmost placement, unchanged base first): chr22-28696931-CAGTAAA-C. GRCh37 (hg19) VCF-style: chr22-29092919-CAGTAAA-C.
Other names: c.1188_1193del, p.Leu397_Leu398del (NM_001005735.3); c.396_401del, p.Leu133_Leu134del (NM_001257387.3, NM_001437942.1); c.858_863del, p.Leu287_Leu288del (NM_001349956.3); c.1152_1157del, p.Leu385_Leu386del (NM_001438293.1); c.1009-1064_1009-1059del (NM_145862.3); c.1102-1064_1102-1059del (NM_001438295.1); c.1138-1064_1138-1059del (NM_001438294.1).
Identifiers: ClinVar variation 2821421 (VCV002821421.3), dbSNP rs2517821176, ClinGen allele CA2739265697.